The following is an entry in ClinVar:

NM_001100913.3(PACS2):c.1885A>G (p.Ser629Gly)

Gene: PACS2 (phosphofurin acidic cluster sorting protein 2; plus strand). Cytogenetic location: 14q32.33.
Variant type: single nucleotide variant.
Coding change: c.1885A>G on transcript NM_001100913.3 (MANE Select); coding-DNA position 1885, A replaced by G.
Protein change: p.Ser629Gly; replaces serine 629 with glycine.
Molecular consequence: missense variant.
Genome position (GRCh38, 1-based): chr14:105,384,457, A>G. VCF-style: chr14-105384457-A-G. GRCh37 (hg19) VCF-style: chr14-105850794-A-G.
Other names: c.1648A>G, p.Ser550Gly (NM_001243127.3); c.1873A>G, p.Ser625Gly (NM_015197.4); short protein forms S629G, S550G, S625G.
Identifiers: ClinVar variation 2527619 (VCV002527619.3), dbSNP rs1242333746, ClinGen allele CA391184185.
Genomic context (GRCh38, chr14:105,384,457, plus strand): 5'-TACAACAACTTCTTCCAGGACCTGGCCTGGAGAGACCTGTTCAACAAGCTGGAGGCCCAG[A>G]GTGCGGGTGAGGCCCGGGCGCGTCCACAGCCCACGCCACGGCGGGAGGAAGGGGCCCCGG-3'
Protein context (NP_001094383.2, residues 619-639): RDLFNKLEAQ[Ser629Gly]AVQDTPDIVS

ClinVar aggregate classification (germline): Uncertain significance. Review status: criteria provided, multiple submitters, no conflicts (2 of 4 stars). 2 submissions from 2 submitters: Uncertain significance (2). Last evaluated 2025-05-30.

Conditions:
Inborn genetic diseases. Identifiers: MedGen C0950123, MeSH D030342.

Allele frequency attached by ClinVar (database versions not stated): TOPMed below 0.00001.
gnomAD v4.1: 3 of 1,606,048 alleles (0.00019%); highest among the groups gnomAD compares: Non-Finnish European, 0.00026%; no homozygotes.

Submissions (2):

Labcorp Genetics (formerly Invitae), Labcorp
Classification: Uncertain significance. Last evaluated: 2025-05-30. Review status: criteria provided, single submitter. Criteria: Invitae Variant Classification Sherloc (09022015). Collection method: clinical testing. Allele origin: germline.
Comment: This sequence change replaces serine, which is neutral and polar, with glycine, which is neutral and non-polar, at codon 629 of the PACS2 protein (p.Ser629Gly). This variant is not present in population databases (gnomAD no frequency). This variant has not been reported in the literature in individuals affected with PACS2-related conditions. ClinVar contains an entry for this variant (Variation ID: 2527619). An algorithm developed to predict the effect of missense changes on protein structure and function outputs the following: PolyPhen-2: "Benign". The glycine amino acid residue is found in multiple mammalian species, which suggests that this missense change does not adversely affect protein function. Algorithms developed to predict the effect of sequence changes on RNA splicing suggest that this variant may create or strengthen a splice site. In summary, the available evidence is currently insufficient to determine the role of this variant in disease. Therefore, it has been classified as a Variant of Uncertain Significance.

Ambry Genetics
Classification: Uncertain significance for Inborn genetic diseases. Last evaluated: 2023-03-21. Review status: criteria provided, single submitter. Criteria: Ambry Variant Classification Scheme 2023. Collection method: clinical testing. Allele origin: germline.